The following is an entry in ClinVar:

ClinVar aggregate classification (germline): Conflicting classifications of pathogenicity. Review status: criteria provided, conflicting classifications (1 of 4 stars). 2 submissions from 2 submitters: Uncertain significance (1); Likely benign (1). Last evaluated 2024-04-19.

Conditions:
Inborn genetic diseases. Identifiers: MedGen C0950123, MeSH D030342.

Allele frequency attached by ClinVar (database versions not stated): ExAC 0.00005.
gnomAD v4.1: 8 of 1,613,578 alleles (0.0005%); highest among the groups gnomAD compares: East Asian, 0.018%; no homozygotes.

Submissions (2):

Ambry Genetics
Classification: Likely benign for Inborn genetic diseases. Last evaluated: 2024-04-19. Review status: criteria provided, single submitter. Criteria: Ambry Variant Classification Scheme 2023. Collection method: clinical testing. Allele origin: germline.

Labcorp Genetics (formerly Invitae), Labcorp
Classification: Uncertain significance. Last evaluated: 2022-06-22. Review status: criteria provided, single submitter. Criteria: Invitae Variant Classification Sherloc (09022015). Collection method: clinical testing. Allele origin: germline.
Comment: This sequence change replaces arginine, which is basic and polar, with threonine, which is neutral and polar, at codon 77 of the C6 protein (p.Arg77Thr). This variant is present in population databases (rs762327241, gnomAD 0.05%). This variant has not been reported in the literature in individuals affected with C6-related conditions. Algorithms developed to predict the effect of missense changes on protein structure and function output the following: SIFT: "Tolerated"; PolyPhen-2: "Benign"; Align-GVGD: "Class C0". The threonine amino acid residue is found in multiple mammalian species, which suggests that this missense change does not adversely affect protein function. In summary, the available evidence is currently insufficient to determine the role of this variant in disease. Therefore, it has been classified as a Variant of Uncertain Significance.

NM_000065.5(C6):c.230G>C (p.Arg77Thr)

Gene: C6 (complement C6; minus strand). Cytogenetic location: 5p13.1.
Variant type: single nucleotide variant.
Coding change: c.230G>C on transcript NM_000065.5 (MANE Select); coding-DNA position 230, G replaced by C.
Protein change: p.Arg77Thr; replaces arginine 77 with threonine.
Molecular consequence: missense variant.
Genome position (GRCh38, 1-based): chr5:41,201,628, C>G on the plus strand (G>C on the coding strand, the complement: C6 is on the minus strand). VCF-style: chr5-41201628-C-G. GRCh37 (hg19) VCF-style: chr5-41201730-C-G.
Other names: c.230G>C, p.Arg77Thr (NM_001115131.4); short protein forms R77T.
Identifiers: ClinVar variation 2417470 (VCV002417470.4), dbSNP rs762327241, ClinGen allele CA3252859.
Genomic context (GRCh38, chr5:41,201,628, plus strand): 5'-ATACAAGGGTCACAGTCTGACCATGGTCCAAAATCTCCCAGGAGGCAGTTGATGGGGCAT[C>G]TTTGCCAGTTACATTCTCTAGTCTCCTGCTTGCTGCAAATCTGTTCACAAAAGTTTTCCT-3'
Protein context (NP_000056.2, residues 67-87): KQETRECNWQ[Arg77Thr]CPINCLLGDF